The following is an entry in ClinVar:

NM_015459.5(ATL3):c.467G>C (p.Cys156Ser)

Genes: ATL3 (atlastin GTPase 3; minus strand), LNCROPM (lncRNA regulator of PLAAT3 mediated phospholipid metabolism; plus strand). Cytogenetic location: 11q13.1.
Variant type: single nucleotide variant.
Coding change: c.467G>C on transcript NM_015459.5 (MANE Select); coding-DNA position 467, G replaced by C.
Protein change: p.Cys156Ser; replaces cysteine 156 with serine.
Molecular consequence: missense variant.
Genome position (GRCh38, 1-based): chr11:63,652,514, C>G on the plus strand (G>C on the coding strand, the complement: ATL3 is on the minus strand). VCF-style: chr11-63652514-C-G. GRCh37 (hg19) VCF-style: chr11-63419986-C-G.
Other names: c.413G>C, p.Cys138Ser (NM_001290048.2); c.467G>C (NM_015459.3); short protein forms C156S, C138S.
Identifiers: ClinVar variation 1378875 (VCV001378875.9), dbSNP rs769232447, ClinGen allele CA6063785.
Genomic context (GRCh38, chr11:63,652,514, plus strand): 5'-AGTCAAGTGGTTTTTACCTGAACAGAACTAGTCATAGTGCTTAGAGCAAAGATGGTAGCA[C>G]AGTCTTTCACAGTTGACTGGCTGTCAAATGCCCCCTGGGTATCCATCAGAACAACTGCAA-3'
Protein context (NP_056274.3, residues 146-166): AFDSQSTVKD[Cys156Ser]ATIFALSTMT

ClinVar aggregate classification (germline): Uncertain significance. Review status: criteria provided, multiple submitters, no conflicts (2 of 4 stars). 2 submissions from 2 submitters: Uncertain significance (2). Last evaluated 2026-02-17.

Conditions:
Inborn genetic diseases. Identifiers: MedGen C0950123, MeSH D030342.
Neuropathy, hereditary sensory, type 1F. Also called: Hereditary sensory neuropathy type IF; HSN IF. Identifiers: Orphanet 36386, MedGen C3810194, MONDO:0014286, OMIM 615632.

Allele frequency attached by ClinVar (database versions not stated): gnomAD exomes below 0.00001; ExAC 0.00001; gnomAD 0.00001.
gnomAD v4.1: 17 of 1,611,166 alleles (0.0011%); highest among the groups gnomAD compares: Non-Finnish European, 0.0014%; no homozygotes.

Submissions (2):

Ambry Genetics
Classification: Uncertain significance for Inborn genetic diseases. Last evaluated: 2026-02-17. Review status: criteria provided, single submitter. Criteria: Ambry Variant Classification Scheme 2023. Collection method: clinical testing. Allele origin: germline.
Comment: The c.467G>C (p.C156S) alteration is located in exon 4 (coding exon 4) of the ATL3 gene. This alteration results from a G to C substitution at nucleotide position 467, causing the cysteine (C) at amino acid position 156 to be replaced by a serine (S). Based on data from gnomAD, the C allele has an overall frequency of <0.001% (1/249010) total alleles studied. The highest observed frequency was 0.001% (1/113150) of European (non-Finnish) alleles. Based on insufficient or conflicting evidence, the clinical significance of this alteration remains unclear.

Labcorp Genetics (formerly Invitae), Labcorp
Classification: Uncertain significance for Neuropathy, hereditary sensory, type 1F. Last evaluated: 2023-08-27. Review status: criteria provided, single submitter. Criteria: Invitae Variant Classification Sherloc (09022015). Collection method: clinical testing. Allele origin: germline.
Comment: ClinVar contains an entry for this variant (Variation ID: 1378875). Advanced modeling of protein sequence and biophysical properties (such as structural, functional, and spatial information, amino acid conservation, physicochemical variation, residue mobility, and thermodynamic stability) performed at Invitae indicates that this missense variant is not expected to disrupt ATL3 protein function. In summary, the available evidence is currently insufficient to determine the role of this variant in disease. Therefore, it has been classified as a Variant of Uncertain Significance. This variant has not been reported in the literature in individuals affected with ATL3-related conditions. This variant is present in population databases (rs769232447, gnomAD 0.0009%). This sequence change replaces cysteine, which is neutral and slightly polar, with serine, which is neutral and polar, at codon 156 of the ATL3 protein (p.Cys156Ser).